The following is an entry in ClinVar:

NM_032228.6(FAR1):c.209A>G (p.Asp70Gly)

Gene: FAR1 (fatty acyl-CoA reductase 1; plus strand). Cytogenetic location: 11p15.3.
Variant type: single nucleotide variant.
Coding change: c.209A>G on transcript NM_032228.6 (MANE Select); coding-DNA position 209, A replaced by G.
Protein change: p.Asp70Gly; replaces aspartic acid 70 with glycine.
Molecular consequence: missense variant.
Genome position (GRCh38, 1-based): chr11:13,700,336, A>G. VCF-style: chr11-13700336-A-G. GRCh37 (hg19) VCF-style: chr11-13721883-A-G.
Other names: short protein forms D70G.
Identifiers: ClinVar variation 2544924 (VCV002544924.5), dbSNP rs1277013119, ClinGen allele CA379856356.

ClinVar aggregate classification (germline): Uncertain significance. Review status: criteria provided, multiple submitters, no conflicts (2 of 4 stars). 2 submissions from 2 submitters: Uncertain significance (2). Last evaluated 2025-08-14.

Conditions:
Inborn genetic diseases. Identifiers: MedGen C0950123, MeSH D030342.

Allele frequency attached by ClinVar (database versions not stated): gnomAD exomes 0.00001.
gnomAD v4.1: 7 of 1,590,704 alleles (0.00044%); highest among the groups gnomAD compares: Non-Finnish European, 0.0006%; no homozygotes.

Submissions (2):

Labcorp Genetics (formerly Invitae), Labcorp
Classification: Uncertain significance. Last evaluated: 2025-08-14. Review status: criteria provided, single submitter. Criteria: Invitae Variant Classification Sherloc (09022015). Collection method: clinical testing. Allele origin: germline.
Comment: This sequence change replaces aspartic acid, which is acidic and polar, with glycine, which is neutral and non-polar, at codon 70 of the FAR1 protein (p.Asp70Gly). This variant is present in population databases (no rsID available, gnomAD 0.0009%). This variant has not been reported in the literature in individuals affected with FAR1-related conditions. ClinVar contains an entry for this variant (Variation ID: 2544924). Invitae Evidence Modeling of protein sequence and biophysical properties (such as structural, functional, and spatial information, amino acid conservation, physicochemical variation, residue mobility, and thermodynamic stability) indicates that this missense variant is not expected to disrupt FAR1 protein function with a negative predictive value of 80%. In summary, the available evidence is currently insufficient to determine the role of this variant in disease. Therefore, it has been classified as a Variant of Uncertain Significance.

Ambry Genetics
Classification: Uncertain significance for Inborn genetic diseases. Last evaluated: 2023-05-08. Review status: criteria provided, single submitter. Criteria: Ambry Variant Classification Scheme 2023. Collection method: clinical testing. Allele origin: germline.